The following is an entry in ClinVar:

NM_000257.4(MYH7):c.3266C>T (p.Ala1089Val)

Gene: MYH7 (myosin heavy chain 7; minus strand). Cytogenetic location: 14q11.2.
Variant type: single nucleotide variant.
Coding change: c.3266C>T on transcript NM_000257.4 (MANE Select); coding-DNA position 3266, C replaced by T.
Protein change: p.Ala1089Val; replaces alanine 1089 with valine.
Molecular consequence: missense variant.
Genome position (GRCh38, 1-based): chr14:23,421,028, G>A on the plus strand (C>T on the coding strand, the complement: MYH7 is on the minus strand). VCF-style: chr14-23421028-G-A. GRCh37 (hg19) VCF-style: chr14-23890237-G-A.
Other names: c.3266C>T, p.Ala1089Val (NM_001407004.1); short protein forms A1089V.
Identifiers: ClinVar variation 1729577 (VCV001729577.2), dbSNP rs1566528510, ClinGen allele CA389044520.

ClinVar aggregate classification (germline): Uncertain significance (1 of 4 stars; one submission).

Conditions:
Cardiovascular phenotype. Identifiers: MedGen CN230736.

Allele frequency attached by ClinVar (database versions not stated): gnomAD exomes below 0.00001; TOPMed below 0.00001.

Submission:

Ambry Genetics
Classification: Uncertain significance for Cardiovascular phenotype. Last evaluated: 2019-01-04. Review status: criteria provided, single submitter. Criteria: Ambry Variant Classification Scheme 2023. Collection method: clinical testing. Allele origin: germline.
Comment: The p.A1089V variant (also known as c.3266C>T), located in coding exon 24 of the MYH7 gene, results from a C to T substitution at nucleotide position 3266. The alanine at codon 1089 is replaced by valine, an amino acid with similar properties. This amino acid position is not well conserved in available vertebrate species. In addition, this alteration is predicted to be tolerated by in silico analysis. Since supporting evidence is limited at this time, the clinical significance of this alteration remains unclear.